The following is an entry in ClinVar:

ClinVar aggregate classification (germline): Uncertain significance. Review status: criteria provided, multiple submitters, no conflicts (2 of 4 stars). 6 submissions from 6 submitters: Uncertain significance (4). 2 of the submissions do not count toward it. Last evaluated 2026-01-29.

Conditions:
BBS2-related disorder. Also called: BBS2-related disorders; BBS2-related condition. Identifiers: MedGen CN239228.
Retinitis pigmentosa 74 (RP74). Identifiers: Orphanet 791, MedGen C4225281, MONDO:0014692, OMIM 616562.
Bardet-Biedl syndrome 2 (BBS2). Identifiers: Orphanet 110, MedGen C2936863, MONDO:0014432, OMIM 615981.
Bardet-Biedl syndrome (BBS). Identifiers: Orphanet 110, MedGen C0752166, MONDO:0015229.
Inborn genetic diseases. Identifiers: MedGen C0950123, MeSH D030342.

Allele frequency attached by ClinVar (database versions not stated): ExAC 0.00002; gnomAD exomes 0.00002; gnomAD 0.00009 and 0.00011; TOPMed 0.00010; 1000 Genomes Project 0.00020; 1000 Genomes Project 30x 0.00031.
gnomAD v4.1: 36 of 1,614,086 alleles (0.0022%); highest among the groups gnomAD compares: African/African-American, 0.031%; no homozygotes.

Submissions (6):

Labcorp Genetics (formerly Invitae), Labcorp
Classification: Uncertain significance for Bardet-Biedl syndrome. Last evaluated: 2026-01-29. Review status: criteria provided, single submitter. Criteria: Invitae Variant Classification Sherloc (09022015). Collection method: clinical testing. Allele origin: germline.
Comment: This sequence change replaces arginine, which is basic and polar, with tryptophan, which is neutral and slightly polar, at codon 506 of the BBS2 protein (p.Arg506Trp). This variant is present in population databases (rs560253338, gnomAD 0.03%). This variant has not been reported in the literature in individuals affected with BBS2-related conditions. ClinVar contains an entry for this variant (Variation ID: 948185). Invitae Evidence Modeling of protein sequence and biophysical properties (such as structural, functional, and spatial information, amino acid conservation, physicochemical variation, residue mobility, and thermodynamic stability) indicates that this missense variant is expected to disrupt BBS2 protein function with a positive predictive value of 80%. In summary, the available evidence is currently insufficient to determine the role of this variant in disease. Therefore, it has been classified as a Variant of Uncertain Significance.

Ambry Genetics
Classification: Uncertain significance for Inborn genetic diseases. Last evaluated: 2025-04-25. Review status: criteria provided, single submitter. Criteria: Ambry Variant Classification Scheme 2023. Collection method: clinical testing. Allele origin: germline.

Blueprint Genetics
Classification: Uncertain significance. Last evaluated: 2024-03-26. Review status: criteria provided, single submitter. Criteria: ACMG Guidelines, 2015. Collection method: clinical testing. Allele origin: germline.

Fulgent Genetics
Classification: Uncertain significance for Bardet-Biedl syndrome 2; Retinitis pigmentosa 74. Last evaluated: 2024-03-07. Review status: criteria provided, single submitter. Criteria: ACMG Guidelines, 2015. Collection method: clinical testing. Allele origin: germline.

PreventionGenetics, part of Exact Sciences
Classification: Uncertain significance for BBS2-related condition. Last evaluated: 2024-06-27. Review status: no assertion criteria provided. Collection method: clinical testing. Allele origin: germline. Not counted in ClinVar's aggregate classification.
Comment: The BBS2 c.1516C>T variant is predicted to result in the amino acid substitution p.Arg506Trp. To our knowledge, this variant has not been reported in the literature. This variant is reported in 0.028% of alleles in individuals of African descent in gnomAD. At this time, the clinical significance of this variant is uncertain due to the absence of conclusive functional and genetic evidence.

Natera, Inc.
Classification: Uncertain significance for Bardet-Biedl syndrome type 2. Last evaluated: 2020-02-26. Review status: no assertion criteria provided. Collection method: clinical testing. Allele origin: germline. Not counted in ClinVar's aggregate classification.

NM_031885.5(BBS2):c.1516C>T (p.Arg506Trp)

Gene: BBS2 (Bardet-Biedl syndrome 2; minus strand). Cytogenetic location: 16q13.
Variant type: single nucleotide variant.
Coding change: c.1516C>T on transcript NM_031885.5 (MANE Select); coding-DNA position 1516, C replaced by T.
Protein change: p.Arg506Trp; replaces arginine 506 with tryptophan.
Molecular consequence: missense variant. On other transcripts: non-coding transcript variant (5).
Genome position (GRCh38, 1-based): chr16:56,499,789, G>A on the plus strand (C>T on the coding strand, the complement: BBS2 is on the minus strand). VCF-style: chr16-56499789-G-A. GRCh37 (hg19) VCF-style: chr16-56533701-G-A.
Other names: c.1516C>T, p.Arg506Trp (NM_001377456.1); short protein forms R506W.
Identifiers: ClinVar variation 948185 (VCV000948185.11), dbSNP rs560253338, ClinGen allele CA8065719.